The following is an entry in ClinVar:

Conditions:
Breast-ovarian cancer, familial, susceptibility to, 1 (BROVCA1). Also called: BRCA1 Hereditary Breast and Ovarian Cancer; OVARIAN CANCER, SUSCEPTIBILITY TO. Identifiers: Orphanet 145, MedGen C2676676, MONDO:0011450, OMIM 604370. Disease mechanism: loss of function.

Submission:

Brotman Baty Institute, University of Washington
No classification provided (evidence only). Condition: Breast-ovarian cancer, familial 1. Review status: no classification provided. Collection method: in vitro. Allele origin: not applicable. Functional consequence: functionally_normal.
ClinVar note: "not provided" was previously submitted as the classification for the variant. However, the classification appeared to be based only on an observation of functional data so it was converted to no classification on 2025-07-30.

NM_007294.4(BRCA1):c.5381A>C (p.Glu1794Ala)

Gene: BRCA1 (BRCA1 DNA repair associated; minus strand). Cytogenetic location: 17q21.31.
Variant type: single nucleotide variant.
Coding change: c.5381A>C on transcript NM_007294.4 (MANE Select); coding-DNA position 5381, A replaced by C.
Protein change: p.Glu1794Ala; replaces glutamic acid 1794 with alanine.
Molecular consequence: missense variant. On other transcripts: non-coding transcript variant (1), intron variant (1).
Genome position (GRCh38, 1-based): chr17:43,049,146, T>G on the plus strand (A>C on the coding strand, the complement: BRCA1 is on the minus strand). VCF-style: chr17-43049146-T-G. GRCh37 (hg19) VCF-style: chr17-41201163-T-G.
Other names: c.5168A>C, p.Glu1723Ala (NM_001407571.1, NM_001407907.1, NM_001407908.1 and 12 more transcripts); c.5447A>C, p.Glu1816Ala (NM_001407581.1, NM_001407582.1); c.5444A>C, p.Glu1815Ala (NM_001407583.1, NM_001407585.1, NM_001407587.1 and 1 more transcripts); c.5441A>C, p.Glu1814Ala (NM_001407590.1, NM_001407591.1); c.5381A>C, p.Glu1794Ala (NM_001407593.1, NM_001407594.1, NM_001407596.1 and 5 more transcripts); c.5378A>C, p.Glu1793Ala (NM_001407610.1, NM_001407611.1, NM_001407612.1 and 14 more transcripts); c.5375A>C, p.Glu1792Ala (NM_001407627.1, NM_001407628.1, NM_001407629.1 and 13 more transcripts); c.5366A>C, p.Glu1789Ala (NM_001407647.1); and 73 more; short protein forms E690A, E1815A, E1747A, E1794A, E1497A, E1667A, E1681A, E1704A.
Identifiers: ClinVar variation 865679 (VCV000865679.3), dbSNP rs2051080642, ClinGen allele CA10590711.